The following is an entry in ClinVar:

NM_001143975.1(UBTFL1):c.502A>C (p.Arg168=)

Gene: UBTFL1 (upstream binding transcription factor like 1; plus strand). Cytogenetic location: 11q14.3.
Variant type: single nucleotide variant.
Coding change: c.502A>C on transcript NM_001143975.1 (MANE Select); coding-DNA position 502, A replaced by C.
Protein change: p.Arg168=; no amino-acid change (arginine 168 retained).
Molecular consequence: synonymous variant.
Genome position (GRCh38, 1-based): chr11:90,086,451, A>C. VCF-style: chr11-90086451-A-C. GRCh37 (hg19) VCF-style: chr11-89819619-A-C.
Identifiers: ClinVar variation 4533992 (VCV004533992.6).

ClinVar aggregate classification (germline): Likely benign (1 of 4 stars; one submission).

Submission:

CeGaT Center for Human Genetics Tuebingen
Classification: Likely benign. Last evaluated: 2025-11-01. Review status: criteria provided, single submitter. Criteria: CeGaT Center For Human Genetics Tuebingen Variant Classification Criteria Version 2. Collection method: clinical testing. Allele origin: germline. Affected: yes. Observed: 1 variant allele.
Comment: UBTFL1: BP4, BP7